The following is an entry in ClinVar:

NM_005228.5(EGFR):c.154C>T (p.Gln52Ter)

Gene: EGFR (epidermal growth factor receptor; plus strand). Cytogenetic location: 7p11.2.
Variant type: single nucleotide variant.
Coding change: c.154C>T on transcript NM_005228.5 (MANE Select); coding-DNA position 154, C replaced by T.
Protein change: p.Gln52Ter; replaces glutamine 52 with a stop codon.
Molecular consequence: nonsense. On other transcripts: 5 prime UTR variant (1), intron variant (1).
Genome position (GRCh38, 1-based): chr7:55,142,351, C>T. VCF-style: chr7-55142351-C-T. GRCh37 (hg19) VCF-style: chr7-55210044-C-T.
Other names: c.154C>T, p.Gln52Ter (NM_001346897.2, NM_001346898.2, NM_001346899.2 and 3 more transcripts); c.-6C>T (NM_001346900.2); c.89-13479C>T (NM_001346941.2); c.154C>T (NM_005228.3); short protein forms Q52*.
Identifiers: ClinVar variation 1354820 (VCV001354820.7), dbSNP rs2128926255, ClinGen allele CA367574513.

ClinVar aggregate classification (germline): Conflicting classifications of pathogenicity. Review status: criteria provided, conflicting classifications (1 of 4 stars). 2 submissions from 2 submitters: Pathogenic (1); Uncertain significance (1). Last evaluated 2025-12-02.

Conditions:
Hereditary cancer-predisposing syndrome. Also called: Neoplastic Syndromes, Hereditary; Tumor predisposition; Hereditary neoplastic syndrome; Hereditary Cancer Syndrome. Identifiers: Orphanet 140162, MedGen C0027672, MeSH D009386, MONDO:0015356.
EGFR-related lung cancer (EGFR). Identifiers: MedGen CN130014.

Allele frequency attached by ClinVar (database versions not stated): gnomAD exomes 0.00001.
gnomAD v4.1: 14 of 1,614,212 alleles (0.00087%); highest among the groups gnomAD compares: Non-Finnish European, 0.0011%; no homozygotes.

Submissions (2):

Labcorp Genetics (formerly Invitae), Labcorp
Classification: Pathogenic for EGFR-related lung cancer. Last evaluated: 2025-12-02. Review status: criteria provided, single submitter. Criteria: Invitae Variant Classification Sherloc (09022015). Collection method: clinical testing. Allele origin: germline.
Comment: This sequence change creates a premature translational stop signal (p.Gln52*) in the EGFR gene. It is expected to result in an absent or disrupted protein product. Loss-of-function variants in EGFR are known to be pathogenic (PMID: 7630400, 28726809, 29899996). This variant is not present in population databases (gnomAD no frequency). This variant has not been reported in the literature in individuals affected with EGFR-related conditions. ClinVar contains an entry for this variant (Variation ID: 1354820). For these reasons, this variant has been classified as Pathogenic.

Ambry Genetics
Classification: Uncertain significance for Hereditary cancer-predisposing syndrome. Last evaluated: 2025-09-03. Review status: criteria provided, single submitter. Criteria: Ambry Variant Classification Scheme 2023. Collection method: clinical testing. Allele origin: germline.
Comment: The p.Q52* variant (also known as c.154C>T), located in coding exon 2 of the EGFR gene, results from a C to T substitution at nucleotide position 154. This changes the amino acid from a glutamine to a stop codon within coding exon 2. This alteration is expected to result in loss of function by premature protein truncation or nonsense-mediated mRNA decay. Although biallelic loss of function of EGFR are known to cause EGFR-related neonatal inflammatory skin and bowel disease, such associations with EGFR-related lung cancer have not been reported. Based on the supporting evidence, this variant is expected to be causative of EGFR-related neonatal inflammatory skin and bowel disease when present along with a second pathogenic variant on the other allele; however, its clinical significance for EGFR-related lung cancer is unclear.

Literature cited by the submitters: PubMed 7630400 (cited by Labcorp Genetics (formerly Invitae), Labcorp); PubMed 28726809 (cited by Labcorp Genetics (formerly Invitae), Labcorp); PubMed 29899996 (cited by Labcorp Genetics (formerly Invitae), Labcorp).